The following is an entry in ClinVar:

ClinVar aggregate classification (germline): Uncertain significance (1 of 4 stars; one submission).

Conditions:
FGFR3-related chondrodysplasia. Identifiers: Orphanet 93420, MedGen C5681604, MONDO:0019685.

Submission:

Genomenon, Inc
Classification: Uncertain significance for FGFR3-related chondrodysplasia. Last evaluated: 2026-06-23. Review status: criteria provided, single submitter. Criteria: Genomenon Sequence Variant Interpretation Standards - Updated. Collection method: curation. Allele origin: germline. Affected: no.
Comment: FGFR3 p.Lys650Arg (c.1949A>G) is a missense variant that changes the amino acid at codon 650 from Lysine to Arginine. This variant has been reported in the published literature (PMID:15292251;11055896;24259709;17875876). It is absent or not present at a significant frequency in gnomAD. In silico models predict that this variant is possibly or probably damaging. In conclusion, we classify FGFR3 p.Lys650Arg (c.1949A>G) as a variant of uncertain significance.

Literature cited by the submitters: PubMed 15292251; PubMed 11055896; PubMed 24259709; PubMed 17875886; PubMed 17875876; PubMed 25311528.

NM_000142.5(FGFR3):c.1949A>G (p.Lys650Arg)

Gene: FGFR3 (fibroblast growth factor receptor 3; plus strand). Cytogenetic location: 4p16.3.
Variant type: single nucleotide variant.
Coding change: c.1949A>G on transcript NM_000142.5 (MANE Select); coding-DNA position 1949, A replaced by G.
Protein change: p.Lys650Arg; replaces lysine 650 with arginine.
Molecular consequence: missense variant. On other transcripts: non-coding transcript variant (1).
Genome position (GRCh38, 1-based): chr4:1,806,163, A>G. VCF-style: chr4-1806163-A-G. GRCh37 (hg19) VCF-style: chr4-1807890-A-G.
Other names: c.1955A>G, p.Lys652Arg (NM_001163213.2); c.1952A>G, p.Lys651Arg (NM_001354809.2, NM_001354810.2); c.1613A>G, p.Lys538Arg (NM_022965.4); short protein forms K538R, K650R, K651R, K652R.
Identifiers: ClinVar variation 4857793 (VCV004857793.1).